The following is an entry in ClinVar:

ClinVar aggregate classification (germline): Uncertain significance (1 of 4 stars; one submission).

Submission:

Labcorp Genetics (formerly Invitae), Labcorp
Classification: Uncertain significance. Last evaluated: 2022-04-10. Review status: criteria provided, single submitter. Criteria: Invitae Variant Classification Sherloc (09022015). Collection method: clinical testing. Allele origin: germline.
Comment: This sequence change replaces leucine, which is neutral and non-polar, with phenylalanine, which is neutral and non-polar, at codon 2598 of the LRP2 protein (p.Leu2598Phe). This variant is not present in population databases (gnomAD no frequency). This variant has not been reported in the literature in individuals affected with LRP2-related conditions. Advanced modeling of protein sequence and biophysical properties (such as structural, functional, and spatial information, amino acid conservation, physicochemical variation, residue mobility, and thermodynamic stability) performed at Invitae indicates that this missense variant is expected to disrupt LRP2 protein function. In summary, the available evidence is currently insufficient to determine the role of this variant in disease. Therefore, it has been classified as a Variant of Uncertain Significance.

NM_004525.3(LRP2):c.7794G>T (p.Leu2598Phe)

Gene: LRP2 (LDL receptor related protein 2; minus strand). Cytogenetic location: 2q31.1.
Variant type: single nucleotide variant.
Coding change: c.7794G>T on transcript NM_004525.3 (MANE Select); coding-DNA position 7794, G replaced by T.
Protein change: p.Leu2598Phe; replaces leucine 2598 with phenylalanine.
Molecular consequence: missense variant.
Genome position (GRCh38, 1-based): chr2:169,204,193, C>A on the plus strand (G>T on the coding strand, the complement: LRP2 is on the minus strand). VCF-style: chr2-169204193-C-A. GRCh37 (hg19) VCF-style: chr2-170060703-C-A.
Other names: short protein forms L2598F.
Identifiers: ClinVar variation 1977224 (VCV001977224.5), dbSNP rs1688298581, ClinGen allele CA349167726.